The following is an entry in ClinVar:

ClinVar aggregate classification (germline): Benign. Review status: criteria provided, multiple submitters, no conflicts (2 of 4 stars). 4 submissions from 4 submitters: Benign (4). Last evaluated 2026-01-31.

Conditions:
Coxopodopatellar syndrome. Also called: SCOTT-TAOR SYNDROME; Small patella syndrome; ISCHIOCOXOPODOPATELLAR SYNDROME; PATELLA APLASIA, COXA VARA, AND TARSAL SYNOSTOSIS; Congenital coxa vara, patella aplasia and tarsal synostosis; ISCHIOPATELLAR DYSPLASIA. Identifiers: Orphanet 1509, MedGen C1840061, MONDO:0007841, OMIM 147891.
TBX4-related disorder. Also called: TBX4-related disorders; TBX4-related condition.

Allele frequency attached by ClinVar (database versions not stated): gnomAD exomes 0.00080 and 0.00205; ExAC 0.00254; gnomAD 0.00874 and 0.00936; 1000 Genomes Project 0.00899; ESP Exome Variant Server 0.00938; TOPMed 0.00994; 1000 Genomes Project 30x 0.01031.
gnomAD v4.1: 2,547 of 1,613,982 alleles (0.16%); highest among the groups gnomAD compares: African/African-American, 3%; 39 homozygotes.

Submissions (4):

Labcorp Genetics (formerly Invitae), Labcorp
Classification: Benign. Last evaluated: 2026-01-31. Review status: criteria provided, single submitter. Criteria: Invitae Variant Classification Sherloc (09022015). Collection method: clinical testing. Allele origin: germline.

PreventionGenetics, part of Exact Sciences
Classification: Benign for TBX4-related condition. Last evaluated: 2025-05-06. Review status: criteria provided, single submitter. Criteria: ACMG Guidelines, 2015. Collection method: clinical testing. Allele origin: germline.
Comment: This variant is classified as benign based on ACMG/AMP sequence variant interpretation guidelines (Richards et al. 2015 PMID: 25741868, with internal and published modifications).

Illumina Laboratory Services, Illumina
Classification: Benign for Coxopodopatellar syndrome. Last evaluated: 2018-01-12. Review status: criteria provided, single submitter. Criteria: ICSL Variant Classification Criteria 13 December 2019. Collection method: clinical testing. Allele origin: germline.
Comment: This variant was observed in the ICSL laboratory as part of a predisposition screen in an ostensibly healthy population. It had not been previously curated by ICSL or reported in the Human Gene Mutation Database (HGMD: prior to June 1st, 2018), and was therefore a candidate for classification through an automated scoring system. Utilizing variant allele frequency, disease prevalence and penetrance estimates, and inheritance mode, an automated score was calculated to assess if this variant is too frequent to cause the disease. Based on the score and internal cut-off values, a variant classified as benign is not then subjected to further curation. The score for this variant resulted in a classification of benign for this disease.

Breakthrough Genomics
Classification: Benign. Review status: criteria provided, single submitter. Criteria: ACMG Guidelines, 2015. Collection method: not provided. Allele origin: germline. Inheritance: Autosomal recessive inheritance. Affected: yes.

NM_001321120.2(TBX4):c.249G>A (p.Ala83=)

Gene: TBX4 (T-box transcription factor 4; plus strand). Cytogenetic location: 17q23.2.
Variant type: single nucleotide variant.
Coding change: c.249G>A on transcript NM_001321120.2 (MANE Select); coding-DNA position 249, G replaced by A.
Protein change: p.Ala83=; no amino-acid change (alanine 83 retained).
Molecular consequence: synonymous variant.
Genome position (GRCh38, 1-based): chr17:61,457,599, G>A. VCF-style: chr17-61457599-G-A. GRCh37 (hg19) VCF-style: chr17-59534960-G-A.
Other names: c.249G>A, p.Ala83= (LRG_1206t1, NM_018488.3).
Identifiers: ClinVar variation 324248 (VCV000324248.15), dbSNP rs35070263, ClinGen allele CA8689764.